The following is an entry in ClinVar:

ClinVar aggregate classification (germline): Conflicting classifications of pathogenicity. Review status: criteria provided, conflicting classifications (1 of 4 stars). 2 submissions from 2 submitters: Uncertain significance (1); Benign (1). Last evaluated 2025-06-06.

Conditions:
CHARGE syndrome (CHARGE). Also called: Coloboma, heart anomaly, choanal atresia, retardation, genital and ear anomalies; CHARGE association; Hall-Hittner syndrome; Hittner Hirsch Kreh syndrome; CHARGE ASSOCIATION--COLOBOMA, HEART ANOMALY, CHOANAL ATRESIA, RETARDATION, GENITAL AND EAR ANOMALIES. Identifiers: Orphanet 138, MedGen C0265354, MONDO:0008965.
Inborn genetic diseases. Identifiers: MedGen C0950123, MeSH D030342.

Allele frequency attached by ClinVar (database versions not stated): TOPMed below 0.00001; gnomAD exomes 0.00001; ExAC 0.00002; ESP Exome Variant Server 0.00008.
gnomAD v4.1: 8 of 1,613,974 alleles (0.0005%); highest among the groups gnomAD compares: Middle Eastern, 0.016%; no homozygotes.

Submissions (2):

Labcorp Genetics (formerly Invitae), Labcorp
Classification: Benign for CHARGE syndrome. Last evaluated: 2025-06-06. Review status: criteria provided, single submitter. Criteria: Invitae Variant Classification Sherloc (09022015). Collection method: clinical testing. Allele origin: germline.

Ambry Genetics
Classification: Uncertain significance for Inborn genetic diseases. Last evaluated: 2016-08-04. Review status: criteria provided, single submitter. Criteria: Ambry Variant Classification Scheme 2023. Collection method: clinical testing. Allele origin: germline.
Comment: The p.G97R variant (also known as c.289G>A), located in coding exon 1 of the CHD7 gene, results from a G to A substitution at nucleotide position 289. The glycine at codon 97 is replaced by arginine, an amino acid with dissimilar properties. This variant was previously reported in the SNPDatabase as rs368160678. Based on data from the NHLBI Exome Sequencing Project (ESP), the A allele has an overall frequency of approximately 0.01% (1/12804) total alleles studied and 0.01% (1/8506) European American alleles. This amino acid position is highly conserved in available vertebrate species. In addition, the in silico prediction for this alteration is inconclusive. Since supporting evidence is limited at this time, the clinical significance of this variant remains unclear.

NM_017780.4(CHD7):c.289G>A (p.Gly97Arg)

Gene: CHD7 (chromodomain helicase DNA binding protein 7; plus strand). Cytogenetic location: 8q12.2.
Variant type: single nucleotide variant.
Coding change: c.289G>A on transcript NM_017780.4 (MANE Select); coding-DNA position 289, G replaced by A.
Protein change: p.Gly97Arg; replaces glycine 97 with arginine.
Molecular consequence: missense variant.
Genome position (GRCh38, 1-based): chr8:60,741,721, G>A. VCF-style: chr8-60741721-G-A. GRCh37 (hg19) VCF-style: chr8-61654280-G-A.
Other names: c.289G>A, p.Gly97Arg (NM_001316690.1); short protein forms G97R.
Identifiers: ClinVar variation 587960 (VCV000587960.15), dbSNP rs368160678, ClinGen allele CA4759284.